The following is an entry in ClinVar:

NM_001148.6(ANK2):c.6727A>G (p.Ser2243Gly)

Gene: ANK2 (ankyrin 2; plus strand). Cytogenetic location: 4q26.
Variant type: single nucleotide variant.
Coding change: c.6727A>G on transcript NM_001148.6 (MANE Select); coding-DNA position 6727, A replaced by G.
Protein change: p.Ser2243Gly; replaces serine 2243 with glycine.
Molecular consequence: missense variant. On other transcripts: intron variant (68).
Genome position (GRCh38, 1-based): chr4:113,355,345, A>G. VCF-style: chr4-113355345-A-G. GRCh37 (hg19) VCF-style: chr4-114276501-A-G.
Other names: c.6493A>G, p.Ser2165Gly (NM_001386142.1); c.3127A>G, p.Ser1043Gly (NM_001386166.1); c.6868A>G, p.Ser2290Gly (NM_001386174.1); c.6844A>G, p.Ser2282Gly (NM_001386175.1); c.4411+5096A>G (NM_001386186.2, NM_001386148.2); c.4213+5096A>G (NM_001354269.3); c.4291+5096A>G (NM_001386187.2); c.4252+5096A>G (NM_001386147.1); and 35 more; short protein forms S1043G, S2243G, S2282G, S2290G, S2165G.
Identifiers: ClinVar variation 4726092 (VCV004726092.1).

ClinVar aggregate classification (germline): Uncertain significance (1 of 4 stars; one submission).

Conditions:
Long QT syndrome (LQTS). Identifiers: MedGen C0023976, MeSH D008133, MONDO:0002442. Disease mechanism: loss of function. Inheritance: Various modes of inheritance.

Submission:

Labcorp Genetics (formerly Invitae), Labcorp
Classification: Uncertain significance for Long QT syndrome. Last evaluated: 2025-08-26. Review status: criteria provided, single submitter. Criteria: Invitae Variant Classification Sherloc (09022015). Collection method: clinical testing. Allele origin: germline.
Comment: This sequence change replaces serine, which is neutral and polar, with glycine, which is neutral and non-polar, at codon 2243 of the ANK2 protein (p.Ser2243Gly). This variant is not present in population databases (gnomAD no frequency). This variant has not been reported in the literature in individuals affected with ANK2-related conditions. An algorithm developed to predict the effect of missense changes on protein structure and function (PolyPhen-2) suggests that this variant is likely to be disruptive. In summary, the available evidence is currently insufficient to determine the role of this variant in disease. Therefore, it has been classified as a Variant of Uncertain Significance.